The following is an entry in ClinVar:

ClinVar aggregate classification (germline): Uncertain significance. Review status: criteria provided, single submitter (1 of 4 stars). 2 submissions from 2 submitters: Uncertain significance (1). 1 of the submissions does not count toward it. Last evaluated 2024-04-05.

Conditions:
Mitochondrial complex IV deficiency, nuclear type 1 (MC4DN1). Also called: Mitochondrial complex IV deficiency; COX DEFICIENCY; Complex 4 mitochondrial respiratory chain deficiency; Deficiency of mitochondrial respiratory chain complex4; Complex IV deficiency. Identifiers: MedGen C5435656, MONDO:0700250, OMIM 220110. Disease mechanism: loss of function.

Allele frequency attached by ClinVar (database versions not stated): gnomAD 0.00012; gnomAD exomes 0.00017 and 0.00036; TOPMed 0.00018; ESP Exome Variant Server 0.00023; ExAC 0.00027.
gnomAD v4.1: 546 of 1,608,574 alleles (0.034%); highest among the groups gnomAD compares: Non-Finnish European, 0.044%; 2 homozygotes.

Submissions (2):

Labcorp Genetics (formerly Invitae), Labcorp
Classification: Uncertain significance. Last evaluated: 2024-04-05. Review status: criteria provided, single submitter. Criteria: Invitae Variant Classification Sherloc (09022015). Collection method: clinical testing. Allele origin: germline.
Comment: This sequence change replaces tyrosine, which is neutral and polar, with cysteine, which is neutral and slightly polar, at codon 72 of the COA3 protein (p.Tyr72Cys). This variant is present in population databases (rs139877390, gnomAD 0.03%). This missense change has been observed in individual(s) with COA3-related conditions (PMID: 25604084, 36344503). ClinVar contains an entry for this variant (Variation ID: 190478). An algorithm developed to predict the effect of missense changes on protein structure and function (PolyPhen-2) suggests that this variant is likely to be disruptive. Experimental studies have shown that this missense change affects COA3 function (PMID: 25604084). In summary, the available evidence is currently insufficient to determine the role of this variant in disease. Therefore, it has been classified as a Variant of Uncertain Significance.

OMIM
Classification: Pathogenic for MITOCHONDRIAL COMPLEX IV DEFICIENCY, NUCLEAR TYPE 14 (1 patient). Last evaluated: 2015-03-01. Review status: no assertion criteria provided. Collection method: literature only. Allele origin: germline. Not counted in ClinVar's aggregate classification.

Literature cited by the submitters: PubMed 25604084 (cited by Labcorp Genetics (formerly Invitae), Labcorp and OMIM); PubMed 36344503 (cited by Labcorp Genetics (formerly Invitae), Labcorp).

NM_001040431.3(COA3):c.215A>G (p.Tyr72Cys)

Gene: COA3 (cytochrome c oxidase assembly factor 3; minus strand). Cytogenetic location: 17q21.2.
Variant type: single nucleotide variant.
Coding change: c.215A>G on transcript NM_001040431.3 (MANE Select); coding-DNA position 215, A replaced by G.
Protein change: p.Tyr72Cys; replaces tyrosine 72 with cysteine.
Molecular consequence: missense variant.
Genome position (GRCh38, 1-based): chr17:42,798,167, T>C on the plus strand (A>G on the coding strand, the complement: COA3 is on the minus strand). VCF-style: chr17-42798167-T-C. GRCh37 (hg19) VCF-style: chr17-40950185-T-C.
Other names: COA3, TYR72CYS (rs139877390); short protein forms Y72C.
Identifiers: ClinVar variation 190478 (VCV000190478.3), dbSNP rs139877390, ClinGen allele CA212527.